The following is an entry in ClinVar:

NM_000038.6(APC):c.3597G>C (p.Lys1199Asn)

Gene: APC (APC regulator of Wnt signaling pathway; plus strand). Cytogenetic location: 5q22.2.
Variant type: single nucleotide variant.
Coding change: c.3597G>C on transcript NM_000038.6 (MANE Select); coding-DNA position 3597, G replaced by C.
Protein change: p.Lys1199Asn; replaces lysine 1199 with asparagine.
Molecular consequence: missense variant. On other transcripts: non-coding transcript variant (2).
Genome position (GRCh38, 1-based): chr5:112,839,191, G>C. VCF-style: chr5-112839191-G-C. GRCh37 (hg19) VCF-style: chr5-112174888-G-C.
Other names: c.3597G>C, p.Lys1199Asn (NM_001127510.3, NM_001354895.2, NM_001407450.1); c.3543G>C, p.Lys1181Asn (NM_001127511.3); c.3651G>C, p.Lys1217Asn (NM_001354896.2, NM_001407447.1, NM_001407448.1 and 1 more transcripts); c.3627G>C, p.Lys1209Asn (NM_001354897.2); c.3522G>C, p.Lys1174Asn (NM_001354898.2); c.3513G>C, p.Lys1171Asn (NM_001354899.2); c.3474G>C, p.Lys1158Asn (NM_001354900.2); c.3420G>C, p.Lys1140Asn (NM_001354901.2, NM_001407453.1); and 11 more; short protein forms K1192N, K815N, K916N, K1098N, K1171N, K1199N, K1217N, K1227N.
Identifiers: ClinVar variation 3410957 (VCV003410957.1).

ClinVar aggregate classification (germline): Uncertain significance (1 of 4 stars; one submission).

Conditions:
Hereditary cancer-predisposing syndrome. Also called: Neoplastic Syndromes, Hereditary; Tumor predisposition; Hereditary Cancer Syndrome; Hereditary neoplastic syndrome. Identifiers: Orphanet 140162, MedGen C0027672, MeSH D009386, MONDO:0015356.

gnomAD v4.1: 1 of 1,614,110 alleles (0.000062%); highest among the groups gnomAD compares: Non-Finnish European, 0.000085%; no homozygotes.

Submission:

Ambry Genetics
Classification: Uncertain significance for Hereditary cancer-predisposing syndrome. Last evaluated: 2024-09-09. Review status: criteria provided, single submitter. Criteria: Ambry Variant Classification Scheme 2023. Collection method: clinical testing. Allele origin: germline.
Comment: The p.K1199N variant (also known as c.3597G>C), located in coding exon 15 of the APC gene, results from a G to C substitution at nucleotide position 3597. The lysine at codon 1199 is replaced by asparagine, an amino acid with similar properties. This amino acid position is conserved. In addition, in silico predictors for this gene do not accurately predict pathogenicity. Based on the available evidence, the clinical significance of this variant remains unclear.